The following is an entry in ClinVar:

NM_001621.5(AHR):c.1292C>T (p.Thr431Ile)

Gene: AHR (aryl hydrocarbon receptor; plus strand). Cytogenetic location: 7p21.1.
Variant type: single nucleotide variant.
Coding change: c.1292C>T on transcript NM_001621.5 (MANE Select); coding-DNA position 1292, C replaced by T.
Protein change: p.Thr431Ile; replaces threonine 431 with isoleucine.
Molecular consequence: missense variant.
Genome position (GRCh38, 1-based): chr7:17,339,117, C>T. VCF-style: chr7-17339117-C-T. GRCh37 (hg19) VCF-style: chr7-17378741-C-T.
Other names: short protein forms T431I.
Identifiers: ClinVar variation 862598 (VCV000862598.8), dbSNP rs748225641, ClinGen allele CA4172079.

ClinVar aggregate classification (germline): Uncertain significance. Review status: criteria provided, multiple submitters, no conflicts (2 of 4 stars). 2 submissions from 2 submitters: Uncertain significance (2). Last evaluated 2025-08-28.

Allele frequency attached by ClinVar (database versions not stated): ExAC 0.00002; gnomAD exomes 0.00004; gnomAD 0.00005; TOPMed 0.00006.
gnomAD v4.1: 66 of 1,614,006 alleles (0.0041%); highest among the groups gnomAD compares: Non-Finnish European, 0.0052%; no homozygotes.

Submissions (2):

Ambry Genetics
Classification: Uncertain significance. Last evaluated: 2025-08-28. Review status: criteria provided, single submitter. Criteria: Ambry Variant Classification Scheme 2023. Collection method: clinical testing. Allele origin: germline.

Labcorp Genetics (formerly Invitae), Labcorp
Classification: Uncertain significance. Last evaluated: 2022-02-17. Review status: criteria provided, single submitter. Criteria: Invitae Variant Classification Sherloc (09022015). Collection method: clinical testing. Allele origin: germline.
Comment: This sequence change replaces threonine, which is neutral and polar, with isoleucine, which is neutral and non-polar, at codon 431 of the AHR protein (p.Thr431Ile). This variant is present in population databases (rs748225641, gnomAD 0.007%). This variant has not been reported in the literature in individuals affected with AHR-related conditions. ClinVar contains an entry for this variant (Variation ID: 862598). Algorithms developed to predict the effect of missense changes on protein structure and function (SIFT, PolyPhen-2, Align-GVGD) all suggest that this variant is likely to be tolerated. In summary, the available evidence is currently insufficient to determine the role of this variant in disease. Therefore, it has been classified as a Variant of Uncertain Significance.